The following is an entry in ClinVar:

ClinVar aggregate classification (germline): Uncertain significance (1 of 4 stars; one submission).

gnomAD v4.1: 6 of 1,611,404 alleles (0.00037%); highest among the groups gnomAD compares: Non-Finnish European, 0.00051%; no homozygotes.

Submission:

Labcorp Genetics (formerly Invitae), Labcorp
Classification: Uncertain significance. Last evaluated: 2025-11-04. Review status: criteria provided, single submitter. Criteria: Invitae Variant Classification Sherloc (09022015). Collection method: clinical testing. Allele origin: germline.
Comment: This sequence change replaces alanine, which is neutral and non-polar, with aspartic acid, which is acidic and polar, at codon 149 of the GFAP protein (p.Ala149Asp). This variant is present in population databases (rs749499843, gnomAD 0.004%). This variant has not been reported in the literature in individuals affected with GFAP-related conditions. Invitae Evidence Modeling of protein sequence and biophysical properties (such as structural, functional, and spatial information, amino acid conservation, physicochemical variation, residue mobility, and thermodynamic stability) indicates that this missense variant is not expected to disrupt GFAP protein function with a negative predictive value of 95%. In summary, the available evidence is currently insufficient to determine the role of this variant in disease. Therefore, it has been classified as a Variant of Uncertain Significance.

NM_002055.5(GFAP):c.446C>A (p.Ala149Asp)

Gene: GFAP (glial fibrillary acidic protein; minus strand). Cytogenetic location: 17q21.31.
Variant type: single nucleotide variant.
Coding change: c.446C>A on transcript NM_002055.5 (MANE Select); coding-DNA position 446, C replaced by A.
Protein change: p.Ala149Asp; replaces alanine 149 with aspartic acid.
Molecular consequence: missense variant.
Genome position (GRCh38, 1-based): chr17:44,915,041, G>T on the plus strand (C>A on the coding strand, the complement: GFAP is on the minus strand). VCF-style: chr17-44915041-G-T. GRCh37 (hg19) VCF-style: chr17-42992409-G-T.
Other names: c.446C>A, p.Ala149Asp (NM_001131019.3, NM_001242376.3, NM_001363846.2); short protein forms A149D.
Identifiers: ClinVar variation 4765048 (VCV004765048.1).
Genomic context (GRCh38, chr17:44,915,041, plus strand): 5'-AGCCCCTTCTGCTCACAAGGCCCCCCTTCCCCATCCCCTCCTCACTTCTGCCTCACAGTG[G>T]CCAGGTCCTGTGCCAGATTGTCCCTCTCAACCTCCAGCCGGGCGCTGTTGGCGGTGAGTT-3'
Protein context (NP_002046.1, residues 139-159): VERDNLAQDL[Ala149Asp]TVRQKLQDET